The following is an entry in ClinVar:

NM_004820.5(CYP7B1):c.59C>T (p.Pro20Leu)

Gene: CYP7B1 (cytochrome P450 family 7 subfamily B member 1; minus strand). Cytogenetic location: 8q12.3.
Variant type: single nucleotide variant.
Coding change: c.59C>T on transcript NM_004820.5 (MANE Select); coding-DNA position 59, C replaced by T.
Protein change: p.Pro20Leu; replaces proline 20 with leucine.
Molecular consequence: missense variant.
Genome position (GRCh38, 1-based): chr8:64,798,529, G>A on the plus strand (C>T on the coding strand, the complement: CYP7B1 is on the minus strand). VCF-style: chr8-64798529-G-A. GRCh37 (hg19) VCF-style: chr8-65711086-G-A.
Other names: c.59C>T, p.Pro20Leu (NM_001324112.2); c.59C>T (NM_004820.4); short protein forms P20L.
Identifiers: ClinVar variation 219384 (VCV000219384.65), dbSNP rs537303950, ClinGen allele CA349540.

ClinVar aggregate classification (germline): Conflicting classifications of pathogenicity. Review status: criteria provided, conflicting classifications (1 of 4 stars). 8 submissions from 8 submitters: Uncertain significance (6); Likely benign (1). 1 of the submissions does not count toward it. Last evaluated 2026-01-26.

Conditions:
CYP7B1-related disorder. Also called: CYP7B1-related condition.
Spastic paraplegia. Identifiers: MedGen C0037772, HP:0001258.
Hereditary spastic paraplegia 5A (SPG5A). Also called: SPASTIC PARAPLEGIA 5A, AUTOSOMAL RECESSIVE. Identifiers: Orphanet 100986, MedGen C1849115, MONDO:0010047, OMIM 270800.
Congenital bile acid synthesis defect 3. Identifiers: Orphanet 79302, MedGen C3151147, MONDO:0013439, OMIM 613812.

Allele frequency attached by ClinVar (database versions not stated): TOPMed 0.00056; ExAC 0.00099.
gnomAD v4.1: 1,694 of 1,501,264 alleles (0.11%); highest among the groups gnomAD compares: Non-Finnish European, 0.13%; 3 homozygotes.

Submissions (8):

Labcorp Genetics (formerly Invitae), Labcorp
Classification: Likely benign for Spastic paraplegia. Last evaluated: 2026-01-26. Review status: criteria provided, single submitter. Criteria: Invitae Variant Classification Sherloc (09022015). Collection method: clinical testing. Allele origin: germline.

Mayo Clinic Laboratories, Mayo Clinic
Classification: Uncertain significance. Last evaluated: 2025-05-27. Review status: criteria provided, single submitter. Criteria: ACMG Guidelines, 2015. Collection method: clinical testing. Allele origin: germline. Observed: 5 variant alleles.
Comment: BP4_moderate

Blueprint Genetics
Classification: Uncertain significance. Last evaluated: 2024-11-26. Review status: criteria provided, single submitter. Criteria: ACMG Guidelines, 2015. Collection method: clinical testing. Allele origin: germline.

CeGaT Center for Human Genetics Tuebingen
Classification: Uncertain significance. Last evaluated: 2024-05-01. Review status: criteria provided, single submitter. Criteria: CeGaT Center For Human Genetics Tuebingen Variant Classification Criteria Version 2. Collection method: clinical testing. Allele origin: germline. Affected: yes. Observed: 4 variant alleles.
Comment: CYP7B1: PM2:Supporting

Athena Diagnostics
Classification: Uncertain significance. Last evaluated: 2024-04-24. Review status: criteria provided, single submitter. Criteria: Athena Diagnostics Criteria. Collection method: clinical testing. Allele origin: unknown.
Comment: Available data are insufficient to determine the clinical significance of the variant at this time. The frequency of this variant in the general population is uninformative in assessment of its pathogenicity. Polyphen and MutationTaster predict this amino acid change may be benign.

Fulgent Genetics
Classification: Uncertain significance for Hereditary spastic paraplegia 5A; Congenital bile acid synthesis defect 3. Last evaluated: 2024-02-17. Review status: criteria provided, single submitter. Criteria: ACMG Guidelines, 2015. Collection method: clinical testing. Allele origin: germline.

Illumina Laboratory Services, Illumina
Classification: Uncertain significance for Hereditary spastic paraplegia 5A. Last evaluated: 2018-01-12. Review status: criteria provided, single submitter. Criteria: ICSL Variant Classification Criteria 13 December 2019. Collection method: clinical testing. Allele origin: germline.

PreventionGenetics, part of Exact Sciences
Classification: Likely benign for CYP7B1-related condition. Last evaluated: 2022-01-31. Review status: no assertion criteria provided. Collection method: clinical testing. Allele origin: germline. Not counted in ClinVar's aggregate classification.
Comment: This variant is classified as likely benign based on ACMG/AMP sequence variant interpretation guidelines (Richards et al. 2015 PMID: 25741868, with internal and published modifications).